The following is an entry in ClinVar:

NM_001130144.3(LTBP3):c.704C>G (p.Pro235Arg)

Gene: LTBP3 (latent transforming growth factor beta binding protein 3; minus strand). Cytogenetic location: 11q13.1.
Variant type: single nucleotide variant.
Coding change: c.704C>G on transcript NM_001130144.3 (MANE Select); coding-DNA position 704, C replaced by G.
Protein change: p.Pro235Arg; replaces proline 235 with arginine.
Molecular consequence: missense variant.
Genome position (GRCh38, 1-based): chr11:65,553,861, G>C on the plus strand (C>G on the coding strand, the complement: LTBP3 is on the minus strand). VCF-style: chr11-65553861-G-C. GRCh37 (hg19) VCF-style: chr11-65321332-G-C.
Other names: c.353C>G, p.Pro118Arg (NM_001164266.1); c.704C>G, p.Pro235Arg (NM_021070.4); short protein forms P118R, P235R.
Identifiers: ClinVar variation 2115900 (VCV002115900.4), dbSNP rs1179547816, ClinGen allele CA381275996.
Genomic context (GRCh38, chr11:65,553,861, plus strand): 5'-GGGGCTGCGCTCTCGGCGTTCGAGCTCTCAATGCGGTGCACCTGGACTGAGGCCTCGGGC[G>C]GGTGATGGACGCGCACATTCACCACGGGGGGCGGGGCCTGCACTGGGGGCGGGCGCGGTG-3'
Protein context (NP_001123616.1, residues 225-245): PPVVNVRVHH[Pro235Arg]PEASVQVHRI

ClinVar aggregate classification (germline): Uncertain significance (1 of 4 stars; one submission).

Conditions:
Brachyolmia-amelogenesis imperfecta syndrome. Also called: Tooth agenesis, selective, 6; Dental anomalies and short stature; PLATYSPONDYLY WITH AMELOGENESIS IMPERFECTA. Identifiers: Orphanet 2899, MedGen C1832594, MONDO:0011018, OMIM 601216. Disease mechanism: loss of function.

gnomAD v4.1: 2 of 1,559,652 alleles (0.00013%); highest among the groups gnomAD compares: South Asian, 0.0023%; no homozygotes.

Submission:

Labcorp Genetics (formerly Invitae), Labcorp
Classification: Uncertain significance for Brachyolmia-amelogenesis imperfecta syndrome. Last evaluated: 2022-03-23. Review status: criteria provided, single submitter. Criteria: Invitae Variant Classification Sherloc (09022015). Collection method: clinical testing. Allele origin: germline.
Comment: This sequence change replaces proline, which is neutral and non-polar, with arginine, which is basic and polar, at codon 235 of the LTBP3 protein (p.Pro235Arg). This variant is not present in population databases (gnomAD no frequency). In summary, the available evidence is currently insufficient to determine the role of this variant in disease. Therefore, it has been classified as a Variant of Uncertain Significance. Algorithms developed to predict the effect of missense changes on protein structure and function are either unavailable or do not agree on the potential impact of this missense change (SIFT: "Deleterious"; PolyPhen-2: "Probably Damaging"; Align-GVGD: "Class C0"). This variant has not been reported in the literature in individuals affected with LTBP3-related conditions.